The following is an entry in ClinVar:

ClinVar aggregate classification (germline): Uncertain significance. Review status: criteria provided, multiple submitters, no conflicts (2 of 4 stars). 2 submissions from 2 submitters: Uncertain significance (2). Last evaluated 2024-10-18.

Conditions:
Hereditary cancer-predisposing syndrome. Also called: Neoplastic Syndromes, Hereditary; Tumor predisposition; Hereditary Cancer Syndrome; Hereditary neoplastic syndrome. Identifiers: Orphanet 140162, MedGen C0027672, MeSH D009386, MONDO:0015356.

gnomAD v4.1: 1 of 1,614,106 alleles (0.000062%); highest among the groups gnomAD compares: Non-Finnish European, 0.000085%; no homozygotes.

Submissions (2):

Ambry Genetics
Classification: Uncertain significance for Hereditary cancer-predisposing syndrome. Last evaluated: 2024-10-18. Review status: criteria provided, single submitter. Criteria: Ambry Variant Classification Scheme 2023. Collection method: clinical testing. Allele origin: germline.
Comment: The p.R779G variant (also known as c.2335C>G), located in coding exon 15 of the CDH1 gene, results from a C to G substitution at nucleotide position 2335. The arginine at codon 779 is replaced by glycine, an amino acid with dissimilar properties. This amino acid position is conserved. In addition, the in silico prediction for this alteration is inconclusive. Based on the available evidence, the clinical significance of this variant remains unclear.

Color Diagnostics, LLC DBA Color Health
Classification: Uncertain significance for Hereditary cancer-predisposing syndrome. Last evaluated: 2023-12-04. Review status: criteria provided, single submitter. Criteria: ACMG Guidelines, 2015. Collection method: clinical testing. Allele origin: germline.
Comment: This missense variant replaces arginine with glycine at codon 779 of the CDH1 protein. Computational prediction tools and conservation analyses are inconclusive regarding the impact of this variant on the protein function. Computational splicing tools suggest that this variant may not impact RNA splicing. To our knowledge, functional assays have not been performed for this variant nor has this variant been reported in individuals affected with hereditary cancer in the literature. This variant has not been identified in the general population by the Genome Aggregation Database (gnomAD). Available evidence is insufficient to determine the role of this variant in disease conclusively. Therefore, this variant is classified as a Variant of Uncertain Significance.

NM_004360.5(CDH1):c.2335C>G (p.Arg779Gly)

Gene: CDH1 (cadherin 1; plus strand). Cytogenetic location: 16q22.1.
Variant type: single nucleotide variant.
Coding change: c.2335C>G on transcript NM_004360.5 (MANE Select); coding-DNA position 2335, C replaced by G.
Protein change: p.Arg779Gly; replaces arginine 779 with glycine.
Molecular consequence: missense variant.
Genome position (GRCh38, 1-based): chr16:68,829,693, C>G. VCF-style: chr16-68829693-C-G. GRCh37 (hg19) VCF-style: chr16-68863596-C-G.
Other names: c.2152C>G, p.Arg718Gly (NM_001317184.2); c.787C>G, p.Arg263Gly (NM_001317185.2); c.370C>G, p.Arg124Gly (NM_001317186.2); c.2335C>G (NM_004360.3); short protein forms R779G, R124G, R718G, R263G.
Identifiers: ClinVar variation 918277 (VCV000918277.6), dbSNP rs876660183, ClinGen allele CA396470930.